The following is an entry in ClinVar:

NM_018027.5(FRMD4A):c.174G>A (p.Lys58=)

Gene: FRMD4A (FERM domain containing 4A; minus strand). Cytogenetic location: 10p13.
Variant type: single nucleotide variant.
Coding change: c.174G>A on transcript NM_018027.5 (MANE Select); coding-DNA position 174, G replaced by A.
Protein change: p.Lys58=; no amino-acid change (lysine 58 retained).
Molecular consequence: synonymous variant.
Genome position (GRCh38, 1-based): chr10:13,810,846, C>T on the plus strand (G>A on the coding strand, the complement: FRMD4A is on the minus strand). VCF-style: chr10-13810846-C-T. GRCh37 (hg19) VCF-style: chr10-13852846-C-T.
Other names: c.222G>A, p.Lys74= (NM_001318336.2); c.273G>A, p.Lys91= (NM_001318337.2).
Identifiers: ClinVar variation 2640320 (VCV002640320.24), dbSNP rs770116608, ClinGen allele CA5414865.

ClinVar aggregate classification (germline): Likely benign (1 of 4 stars; one submission).

Allele frequency attached by ClinVar (database versions not stated): TOPMed 0.00003; gnomAD 0.00005; gnomAD exomes 0.00006; ExAC 0.00011.
gnomAD v4.1: 98 of 1,601,062 alleles (0.0061%); highest among the groups gnomAD compares: South Asian, 0.056%; 2 homozygotes.

Submission:

CeGaT Center for Human Genetics Tuebingen
Classification: Likely benign. Last evaluated: 2023-04-01. Review status: criteria provided, single submitter. Criteria: CeGaT Center For Human Genetics Tuebingen Variant Classification Criteria Version 2. Collection method: clinical testing. Allele origin: germline. Affected: yes. Observed: 1 variant allele.
Comment: FRMD4A: BP4, BP7